The following is an entry in ClinVar:

ClinVar aggregate classification (germline): Uncertain significance. Review status: criteria provided, multiple submitters, no conflicts (2 of 4 stars). 3 submissions from 3 submitters: Uncertain significance (3). Last evaluated 2024-02-25.

Conditions:
Short-rib thoracic dysplasia 7 with or without polydactyly (SRTD7). Also called: SHORT-RIB THORACIC DYSPLASIA 7 WITH POLYDACTYLY; Short rib polydactyly syndrome 5. Identifiers: Orphanet 498497, Orphanet 93271, MedGen C3279792, MONDO:0013569, OMIM 614091.
Cranioectodermal dysplasia 2 (CED2). Identifiers: Orphanet 1515, MedGen C3150874, MONDO:0013323, OMIM 613610.

Allele frequency attached by ClinVar (database versions not stated): TOPMed 0.00001; gnomAD 0.00002; gnomAD exomes 0.00005 and 0.00011; ExAC 0.00020.
gnomAD v4.1: 76 of 1,612,680 alleles (0.0047%); highest among the groups gnomAD compares: Non-Finnish European, 0.0059%; no homozygotes.

Submissions (3):

Fulgent Genetics
Classification: Uncertain significance for Cranioectodermal dysplasia 2; Short-rib thoracic dysplasia 7 with or without polydactyly. Last evaluated: 2024-02-25. Review status: criteria provided, single submitter. Criteria: ACMG Guidelines, 2015. Collection method: clinical testing. Allele origin: germline.

GeneDx
Classification: Uncertain significance. Last evaluated: 2022-06-10. Review status: criteria provided, single submitter. Criteria: GeneDx Variant Classification Process June 2021. Collection method: clinical testing. Allele origin: germline. Affected: yes.
Comment: In silico analysis supports that this missense variant has a deleterious effect on protein structure/function; Has not been previously published as pathogenic or benign to our knowledge

Labcorp Genetics (formerly Invitae), Labcorp
Classification: Uncertain significance for Cranioectodermal dysplasia 2; Short-rib thoracic dysplasia 7 with or without polydactyly. Last evaluated: 2020-10-16. Review status: criteria provided, single submitter. Criteria: Invitae Variant Classification Sherloc (09022015). Collection method: clinical testing. Allele origin: germline.
Comment: This variant has not been reported in the literature in individuals with WDR35-related conditions. This sequence change replaces cysteine with arginine at codon 224 of the WDR35 protein (p.Cys224Arg). The cysteine residue is highly conserved and there is a large physicochemical difference between cysteine and arginine. This variant is present in population databases (rs757871845, ExAC 0.04%). Algorithms developed to predict the effect of missense changes on protein structure and function are either unavailable or do not agree on the potential impact of this missense change (SIFT: "Tolerated"; PolyPhen-2: "Possibly Damaging"; Align-GVGD: "Class C0"). In summary, the available evidence is currently insufficient to determine the role of this variant in disease. Therefore, it has been classified as a Variant of Uncertain Significance.

NM_020779.4(WDR35):c.670T>C (p.Cys224Arg)

Gene: WDR35 (WD repeat domain 35; minus strand). Cytogenetic location: 2p24.1.
Variant type: single nucleotide variant.
Coding change: c.670T>C on transcript NM_020779.4 (MANE Select); coding-DNA position 670, T replaced by C.
Protein change: p.Cys224Arg; replaces cysteine 224 with arginine.
Molecular consequence: missense variant.
Genome position (GRCh38, 1-based): chr2:19,974,534, A>G on the plus strand (T>C on the coding strand, the complement: WDR35 is on the minus strand). VCF-style: chr2-19974534-A-G. GRCh37 (hg19) VCF-style: chr2-20174295-A-G.
Other names: c.670T>C, p.Cys224Arg (NM_001006657.2); short protein forms C224R.
Identifiers: ClinVar variation 999361 (VCV000999361.10), dbSNP rs757871845, ClinGen allele CA1543470.